The following is an entry in ClinVar:

NM_015094.3(HIC2):c.865G>A (p.Val289Ile)

Gene: HIC2 (HIC ZBTB transcriptional repressor 2; plus strand). Cytogenetic location: 22q11.21.
Variant type: single nucleotide variant.
Coding change: c.865G>A on transcript NM_015094.3 (MANE Select); coding-DNA position 865, G replaced by A.
Protein change: p.Val289Ile; replaces valine 289 with isoleucine.
Molecular consequence: missense variant.
Genome position (GRCh38, 1-based): chr22:21,445,760, G>A. VCF-style: chr22-21445760-G-A. GRCh37 (hg19) VCF-style: chr22-21800049-G-A.
Other names: short protein forms V289I.
Identifiers: ClinVar variation 3777843 (VCV003777843.7).

ClinVar aggregate classification (germline): Likely benign (1 of 4 stars; one submission).

gnomAD v4.1: 6,153 of 1,608,738 alleles (0.38%); highest among the groups gnomAD compares: Middle Eastern, 2.1%; 42 homozygotes.

Submission:

CeGaT Center for Human Genetics Tuebingen
Classification: Likely benign. Last evaluated: 2025-03-01. Review status: criteria provided, single submitter. Criteria: CeGaT Center For Human Genetics Tuebingen Variant Classification Criteria Version 2. Collection method: clinical testing. Allele origin: germline. Affected: yes. Observed: 1 variant allele.
Comment: HIC2: BS2